The following is an entry in ClinVar:

ClinVar aggregate classification (germline): Conflicting classifications of pathogenicity. Review status: criteria provided, conflicting classifications (1 of 4 stars). 2 submissions from 2 submitters: Likely pathogenic (1); Uncertain significance (1). Last evaluated 2025-04-02.

Conditions:
COL2A1-related disorder. Also called: COL2A1-related condition; COL2A1-related disorders.

Submissions (2):

Labcorp Genetics (formerly Invitae), Labcorp
Classification: Likely pathogenic. Last evaluated: 2025-04-02. Review status: criteria provided, single submitter. Criteria: Invitae Variant Classification Sherloc (09022015). Collection method: clinical testing. Allele origin: germline.
Comment: This sequence change replaces aspartic acid, which is acidic and polar, with asparagine, which is neutral and polar, at codon 1309 of the COL2A1 protein (p.Asp1309Asn). This variant is not present in population databases (gnomAD no frequency). This missense change has been observed in individuals with clinical features of autosomal dominant COL2A1-related conditions (internal data). ClinVar contains an entry for this variant (Variation ID: 2630079). Invitae Evidence Modeling of protein sequence and biophysical properties (such as structural, functional, and spatial information, amino acid conservation, physicochemical variation, residue mobility, and thermodynamic stability) has been performed for this missense variant. However, the output from this modeling did not meet the statistical confidence thresholds required to predict the impact of this variant on COL2A1 protein function. In summary, the currently available evidence indicates that the variant is pathogenic, but additional data are needed to prove that conclusively. Therefore, this variant has been classified as Likely Pathogenic.

PreventionGenetics, part of Exact Sciences
Classification: Uncertain significance for COL2A1-related condition. Last evaluated: 2022-12-30. Review status: criteria provided, single submitter. Criteria: ACMG Guidelines, 2015. Collection method: clinical testing. Allele origin: germline.
Comment: The COL2A1 c.3925G>A variant is predicted to result in the amino acid substitution p.Asp1309Asn. To our knowledge, this variant has not been reported in the literature or in a large population database, indicating this variant is rare. At this time, the clinical significance of this variant is uncertain due to the absence of conclusive functional and genetic evidence.

NM_001844.5(COL2A1):c.3925G>A (p.Asp1309Asn)

Gene: COL2A1 (collagen type II alpha 1 chain; minus strand). Cytogenetic location: 12q13.11.
Variant type: single nucleotide variant.
Coding change: c.3925G>A on transcript NM_001844.5 (MANE Select); coding-DNA position 3925, G replaced by A.
Protein change: p.Asp1309Asn; replaces aspartic acid 1309 with asparagine.
Molecular consequence: missense variant.
Genome position (GRCh38, 1-based): chr12:47,974,824, C>T on the plus strand (G>A on the coding strand, the complement: COL2A1 is on the minus strand). VCF-style: chr12-47974824-C-T. GRCh37 (hg19) VCF-style: chr12-48368607-C-T.
Other names: c.3718G>A, p.Asp1240Asn (NM_033150.3); short protein forms D1240N, D1309N.
Identifiers: ClinVar variation 2630079 (VCV002630079.4), dbSNP rs2540097718, ClinGen allele CA384536056.